The following is an entry in ClinVar:

NM_001875.5(CPS1):c.194C>T (p.Ser65Phe)

Gene: CPS1 (carbamoyl-phosphate synthase 1; plus strand). Cytogenetic location: 2q34.
Variant type: single nucleotide variant.
Coding change: c.194C>T on transcript NM_001875.5 (MANE Select); coding-DNA position 194, C replaced by T.
Protein change: p.Ser65Phe; replaces serine 65 with phenylalanine.
Molecular consequence: missense variant. On other transcripts: non-coding transcript variant (1).
Genome position (GRCh38, 1-based): chr2:210,573,365, C>T. VCF-style: chr2-210573365-C-T. GRCh37 (hg19) VCF-style: chr2-211438089-C-T.
Other names: c.194C>T, p.Ser65Phe (NM_001122633.3, NM_001369257.1); c.227C>T, p.Ser76Phe (NM_001369256.1); short protein forms S65F, S76F.
Identifiers: ClinVar variation 2077989 (VCV002077989.1), dbSNP rs375979196, ClinGen allele CA2085959.

ClinVar aggregate classification (germline): Uncertain significance (1 of 4 stars; one submission).

Conditions:
Congenital hyperammonemia, type I. Also called: CPS I DEFICIENCY; Carbamoyl phosphate synthetase I deficiency disease; Carbamoyl-phosphate synthase I deficiency; Carbamoyl phosphate synthetase 1 deficiency; Hyperammonemia due to carbamoyl phosphate synthetase 1 deficiency; CPS 1 deficiency. Identifiers: Orphanet 147, MedGen C4082171, MONDO:0009376, OMIM 237300.

Allele frequency attached by ClinVar (database versions not stated): ExAC 0.00002; TOPMed 0.00002; gnomAD exomes 0.00005; ESP Exome Variant Server 0.00008.
gnomAD v4.1: 69 of 1,613,236 alleles (0.0043%); highest among the groups gnomAD compares: Non-Finnish European, 0.0058%; no homozygotes.

Submission:

Labcorp Genetics (formerly Invitae), Labcorp
Classification: Uncertain significance for Congenital hyperammonemia, type I. Last evaluated: 2021-09-01. Review status: criteria provided, single submitter. Criteria: Invitae Variant Classification Sherloc (09022015). Collection method: clinical testing. Allele origin: germline.
Comment: This sequence change replaces serine with phenylalanine at codon 65 of the CPS1 protein (p.Ser65Phe). The serine residue is moderately conserved and there is a large physicochemical difference between serine and phenylalanine. This variant is present in population databases (rs375979196, ExAC 0.004%). This missense change has been observed in individual(s) with carbamoyl phosphate synthetase I deficiency (PMID: 21120950). Algorithms developed to predict the effect of missense changes on protein structure and function are either unavailable or do not agree on the potential impact of this missense change (SIFT: "Deleterious"; PolyPhen-2: "Possibly Damaging"; Align-GVGD: "Class C0"). In summary, the available evidence is currently insufficient to determine the role of this variant in disease. Therefore, it has been classified as a Variant of Uncertain Significance.

Literature cited by the submitters: PubMed 21120950.